The following is an entry in ClinVar:

ClinVar aggregate classification (germline): Uncertain significance (1 of 4 stars; one submission).

Conditions:
Neuromuscular disease caused by qualitative or quantitative defects of dysferlin. Also called: Qualitative or quantitative defects of dysferlin; Dysferlinopathy. Identifiers: Orphanet 207073, MedGen C2931687, MONDO:0016145.

Submission:

Labcorp Genetics (formerly Invitae), Labcorp
Classification: Uncertain significance for Neuromuscular disease caused by qualitative or quantitative defects of dysferlin. Last evaluated: 2023-10-13. Review status: criteria provided, single submitter. Criteria: Invitae Variant Classification Sherloc (09022015). Collection method: clinical testing. Allele origin: germline.
Comment: This sequence change replaces serine, which is neutral and polar, with cysteine, which is neutral and slightly polar, at codon 1424 of the DYSF protein (p.Ser1424Cys). This variant is not present in population databases (gnomAD no frequency). This variant has not been reported in the literature in individuals affected with DYSF-related conditions. ClinVar contains an entry for this variant (Variation ID: 655166). Advanced modeling of protein sequence and biophysical properties (such as structural, functional, and spatial information, amino acid conservation, physicochemical variation, residue mobility, and thermodynamic stability) performed at Invitae indicates that this missense variant is not expected to disrupt DYSF protein function. In summary, the available evidence is currently insufficient to determine the role of this variant in disease. Therefore, it has been classified as a Variant of Uncertain Significance.

NM_001130987.2(DYSF):c.4325C>G (p.Ser1442Cys)

Gene: DYSF (dysferlin; plus strand). Cytogenetic location: 2p13.2.
Variant type: single nucleotide variant.
Coding change: c.4325C>G on transcript NM_001130987.2 (MANE Select); coding-DNA position 4325, C replaced by G.
Protein change: p.Ser1442Cys; replaces serine 1442 with cysteine.
Molecular consequence: missense variant.
Genome position (GRCh38, 1-based): chr2:71,612,744, C>G. VCF-style: chr2-71612744-C-G. GRCh37 (hg19) VCF-style: chr2-71839874-C-G.
Other names: c.4274C>G, p.Ser1425Cys (NM_001130455.2, NM_001130983.2); c.4229C>G, p.Ser1410Cys (NM_001130976.2, NM_001130977.2); c.4271C>G, p.Ser1424Cys (NM_001130978.2, NM_003494.4); c.4364C>G, p.Ser1455Cys (NM_001130979.2); c.4322C>G, p.Ser1441Cys (NM_001130980.2, NM_001130981.2); c.4367C>G, p.Ser1456Cys (NM_001130982.2); c.4232C>G, p.Ser1411Cys (NM_001130984.2, NM_001130986.2); c.4325C>G, p.Ser1442Cys (NM_001130985.2); short protein forms S1410C, S1442C, S1425C, S1441C, S1411C, S1424C, S1455C, S1456C.
Identifiers: ClinVar variation 655166 (VCV000655166.10), dbSNP rs1454165770, ClinGen allele CA347229376.